The following is an entry in ClinVar:

ClinVar aggregate classification (germline): Uncertain significance (1 of 4 stars; one submission).

gnomAD v4.1: 4 of 1,346,094 alleles (0.0003%); highest among the groups gnomAD compares: South Asian, 0.0019%; no homozygotes.

Submission:

Labcorp Genetics (formerly Invitae), Labcorp
Classification: Uncertain significance. Last evaluated: 2025-01-12. Review status: criteria provided, single submitter. Criteria: Invitae Variant Classification Sherloc (09022015). Collection method: clinical testing. Allele origin: germline.
Comment: This sequence change replaces tyrosine, which is neutral and polar, with histidine, which is basic and polar, at codon 45 of the GATA5 protein (p.Tyr45His). This variant is not present in population databases (gnomAD no frequency). This variant has not been reported in the literature in individuals affected with GATA5-related conditions. Invitae Evidence Modeling of protein sequence and biophysical properties (such as structural, functional, and spatial information, amino acid conservation, physicochemical variation, residue mobility, and thermodynamic stability) indicates that this missense variant is not expected to disrupt GATA5 protein function with a negative predictive value of 80%. In summary, the available evidence is currently insufficient to determine the role of this variant in disease. Therefore, it has been classified as a Variant of Uncertain Significance.

NM_080473.5(GATA5):c.133T>C (p.Tyr45His)

Gene: GATA5 (GATA binding protein 5; minus strand). Cytogenetic location: 20q13.33.
Variant type: single nucleotide variant.
Coding change: c.133T>C on transcript NM_080473.5 (MANE Select); coding-DNA position 133, T replaced by C.
Protein change: p.Tyr45His; replaces tyrosine 45 with histidine.
Molecular consequence: missense variant.
Genome position (GRCh38, 1-based): chr20:62,475,389, A>G on the plus strand (T>C on the coding strand, the complement: GATA5 is on the minus strand). VCF-style: chr20-62475389-A-G. GRCh37 (hg19) VCF-style: chr20-61050445-A-G.
Other names: short protein forms Y45H.
Identifiers: ClinVar variation 3620861 (VCV003620861.2).